The following is an entry in ClinVar:

ClinVar aggregate classification (germline): Benign. Review status: criteria provided, multiple submitters, no conflicts (2 of 4 stars). 5 submissions from 5 submitters: Benign (5). Last evaluated 2026-02-02.

Conditions:
Posterior column ataxia-retinitis pigmentosa syndrome (RETSNS). Also called: RETINOPATHY-SENSORY NEUROPATHY SYNDROME. Identifiers: Orphanet 88628, MedGen C1836916, MONDO:0012177, OMIM 609033.

Allele frequency attached by ClinVar (database versions not stated): gnomAD exomes 0.16514; ExAC 0.16758; ESP Exome Variant Server 0.17523; gnomAD 0.17547 and 0.17455; 1000 Genomes Project 0.17931; 1000 Genomes Project 30x 0.18098; TOPMed 0.17502.
gnomAD v4.1: 266,763 of 1,614,120 alleles (17%); highest among the groups gnomAD compares: South Asian, 22%; 22,932 homozygotes.

Submissions (5):

Labcorp Genetics (formerly Invitae), Labcorp
Classification: Benign. Last evaluated: 2026-02-02. Review status: criteria provided, single submitter. Criteria: Invitae Variant Classification Sherloc (09022015). Collection method: clinical testing. Allele origin: germline.

GeneDx
Classification: Benign. Last evaluated: 2019-10-21. Review status: criteria provided, single submitter. Criteria: GeneDx Variant Classification Process June 2021. Collection method: clinical testing. Allele origin: germline. Affected: yes.

Illumina Laboratory Services, Illumina
Classification: Benign for Posterior column ataxia-retinitis pigmentosa syndrome. Last evaluated: 2018-01-12. Review status: criteria provided, single submitter. Criteria: ICSL Variant Classification Criteria 13 December 2019. Collection method: clinical testing. Allele origin: germline.
Comment: This variant was observed in the ICSL laboratory as part of a predisposition screen in an ostensibly healthy population. It had not been previously curated by ICSL or reported in the Human Gene Mutation Database (HGMD: prior to June 1st, 2018), and was therefore a candidate for classification through an automated scoring system. Utilizing variant allele frequency, disease prevalence and penetrance estimates, and inheritance mode, an automated score was calculated to assess if this variant is too frequent to cause the disease. Based on the score and internal cut-off values, a variant classified as benign is not then subjected to further curation. The score for this variant resulted in a classification of benign for this disease.

Eurofins Ntd Llc (ga)
Classification: Benign. Last evaluated: 2013-07-17. Review status: criteria provided, single submitter. Criteria: EGL Classification Definitions 2015. Collection method: clinical testing. Allele origin: germline. Observed: 3 variant alleles, 3 heterozygotes.

Breakthrough Genomics
Classification: Benign. Review status: criteria provided, single submitter. Criteria: ACMG Guidelines, 2015. Collection method: not provided. Allele origin: germline. Inheritance: Autosomal recessive inheritance. Affected: yes.

NM_017791.3(FLVCR2):c.376C>T (p.Leu126=)

Genes: FLVCR2 (FLVCR choline and putative heme transporter 2; plus strand), FLVCR2-AS1 (FLVCR2 antisense RNA 1; minus strand). Cytogenetic location: 14q24.3.
Variant type: single nucleotide variant.
Coding change: c.376C>T on transcript NM_017791.3 (MANE Select); coding-DNA position 376, C replaced by T.
Protein change: p.Leu126=; no amino-acid change (leucine 126 retained).
Molecular consequence: synonymous variant. On other transcripts: non-coding transcript variant (1).
Genome position (GRCh38, 1-based): chr14:75,579,348, C>T. VCF-style: chr14-75579348-C-T. GRCh37 (hg19) VCF-style: chr14-76045691-C-T.
Identifiers: ClinVar variation 95817 (VCV000095817.16), dbSNP rs8011292, ClinGen allele CA148897.